The following is an entry in ClinVar:

NM_033380.3(COL4A5):c.4309C>G (p.Gln1437Glu)

Gene: COL4A5 (collagen type IV alpha 5 chain; plus strand). Cytogenetic location: Xq22.3.
Variant type: single nucleotide variant.
Coding change: c.4309C>G on transcript NM_033380.3 (MANE Select); coding-DNA position 4309, C replaced by G.
Protein change: p.Gln1437Glu; replaces glutamine 1437 with glutamic acid.
Molecular consequence: missense variant.
Genome position (GRCh38, 1-based): chrX:108,686,123, C>G. VCF-style: chrX-108686123-C-G. GRCh37 (hg19) VCF-style: chrX-107929353-C-G.
Other names: c.4291C>G, p.Gln1431Glu (NM_000495.5); c.4291C>G (NM_000495.3); short protein forms Q1437E, Q1431E.
Identifiers: ClinVar variation 774123 (VCV000774123.28), dbSNP rs143778018, ClinGen allele CA10489335.

ClinVar aggregate classification (germline): Benign/Likely benign. Review status: criteria provided, multiple submitters, no conflicts (2 of 4 stars). 8 submissions from 8 submitters: Benign (2); Likely benign (5). 1 of the submissions does not count toward it. Last evaluated 2026-06-01.

Conditions:
X-linked Alport syndrome (ATS1). Also called: NEPHROPATHY AND DEAFNESS, X-LINKED; COL4A5-Related Nephropathy. Identifiers: Orphanet 63, Orphanet 88917, MedGen C4746986, MONDO:0010520, OMIM 301050.
COL4A5-related disorder. Also called: COL4A5-related condition.
Inborn genetic diseases. Identifiers: MedGen C0950123, MeSH D030342.

Allele frequency attached by ClinVar (database versions not stated): gnomAD exomes 0.00002 and 0.00012; gnomAD 0.00005; ESP Exome Variant Server 0.00009; TOPMed 0.00012; ExAC 0.00016.
gnomAD v4.1: 83 of 1,204,857 alleles (0.0069%); highest among the groups gnomAD compares: East Asian, 0.056%; 1 homozygote.

Submissions (8):

CeGaT Center for Human Genetics Tuebingen
Classification: Likely benign. Last evaluated: 2026-06-01. Review status: criteria provided, single submitter. Criteria: CeGaT Center For Human Genetics Tuebingen Variant Classification Criteria Version 2. Collection method: clinical testing. Allele origin: germline. Affected: yes. Observed: 2 variant alleles.
Comment: COL4A5: BS2

Labcorp Genetics (formerly Invitae), Labcorp
Classification: Benign. Last evaluated: 2026-02-02. Review status: criteria provided, single submitter. Criteria: Invitae Variant Classification Sherloc (09022015). Collection method: clinical testing. Allele origin: germline.

Blueprint Genetics
Classification: Likely benign. Last evaluated: 2024-09-23. Review status: criteria provided, single submitter. Criteria: ACMG Guidelines, 2015. Collection method: clinical testing. Allele origin: germline.

Ambry Genetics
Classification: Likely benign for Inborn genetic diseases. Last evaluated: 2023-12-22. Review status: criteria provided, single submitter. Criteria: Ambry Variant Classification Scheme 2023. Collection method: clinical testing. Allele origin: germline.

Fulgent Genetics
Classification: Likely benign for X-linked Alport syndrome. Last evaluated: 2022-03-11. Review status: criteria provided, single submitter. Criteria: ACMG Guidelines, 2015. Collection method: clinical testing. Allele origin: unknown.

Laboratory for Molecular Medicine, Mass General Brigham Personalized Medicine
Classification: Benign. Last evaluated: 2021-12-16. Review status: criteria provided, single submitter. Criteria: ACMG Guidelines, 2015. Collection method: clinical testing. Allele origin: germline.
Comment: However, it has also been identified in 0.1154% (17/14727) of East Asian chromosomes by gnomAD including 1 homozygote and 1 hemizygote individuals, as well as 2 hemizygotes in other ethnicities. This variant has also been reported in ClinVar (Variation ID 774123). Computational prediction tools and conservation analyses do not provide strong support for or against an impact to the protein. In summary, the variant is benign based on it's frequency and presence in hemizygous and homozygous individuals in the general population. ACMG/AMP Criteria applied: BA1

GeneDx
Classification: Likely benign. Last evaluated: 2020-02-18. Review status: criteria provided, single submitter. Criteria: GeneDx Variant Classification Process June 2021. Collection method: clinical testing. Allele origin: germline. Affected: yes.
Comment: This variant is associated with the following publications: (PMID: 30295827, 28780565)

PreventionGenetics, part of Exact Sciences
Classification: Likely benign for COL4A5-related condition. Last evaluated: 2024-08-08. Review status: no assertion criteria provided. Collection method: clinical testing. Allele origin: germline. Not counted in ClinVar's aggregate classification.
Comment: This variant is classified as likely benign based on ACMG/AMP sequence variant interpretation guidelines (Richards et al. 2015 PMID: 25741868, with internal and published modifications).

Literature cited by the submitters: PubMed 28780565 (cited by Ambry Genetics and Laboratory for Molecular Medicine, Mass General Brigham Personalized Medicine); PubMed 30295827 (cited by Ambry Genetics and Laboratory for Molecular Medicine, Mass General Brigham Personalized Medicine); PubMed 32647767 (cited by Ambry Genetics).